The following is an entry in ClinVar:

NM_000550.3(TYRP1):c.1421G>A (p.Ser474Asn)

Genes: TYRP1 (tyrosinase related protein 1; plus strand), LURAP1L-AS1 (LURAP1L antisense RNA 1; minus strand). Cytogenetic location: 9p23.
Variant type: single nucleotide variant.
Coding change: c.1421G>A on transcript NM_000550.3 (MANE Select); coding-DNA position 1421, G replaced by A.
Protein change: p.Ser474Asn; replaces serine 474 with asparagine.
Molecular consequence: missense variant.
Genome position (GRCh38, 1-based): chr9:12,708,989, G>A. VCF-style: chr9-12708989-G-A. GRCh37 (hg19) VCF-style: chr9-12708989-G-A.
Other names: short protein forms S474N.
Identifiers: ClinVar variation 914045 (VCV000914045.5), dbSNP rs746824848, ClinGen allele CA4985583.

ClinVar aggregate classification (germline): Uncertain significance. Review status: criteria provided, multiple submitters, no conflicts (2 of 4 stars). 2 submissions from 2 submitters: Uncertain significance (2). Last evaluated 2022-06-24.

Conditions:
Oculocutaneous albinism type 3 (OCA3). Also called: Rufous OCA; Rufous albinism; ALBINISM III; RUFOUS OCULOCUTANEOUS ALBINISM; XANTHISM; Albinism, oculocutaneous, type III. Identifiers: Orphanet 79433, MedGen C0342683, MONDO:0008747, OMIM 203290.

gnomAD v4.1: 10 of 1,612,314 alleles (0.00062%); highest among the groups gnomAD compares: Middle Eastern, 0.066%; no homozygotes.

Submissions (2):

Labcorp Genetics (formerly Invitae), Labcorp
Classification: Uncertain significance. Last evaluated: 2022-06-24. Review status: criteria provided, single submitter. Criteria: Invitae Variant Classification Sherloc (09022015). Collection method: clinical testing. Allele origin: germline.
Comment: This sequence change replaces serine, which is neutral and polar, with asparagine, which is neutral and polar, at codon 474 of the TYRP1 protein (p.Ser474Asn). This variant is present in population databases (rs746824848, gnomAD 0.02%). This variant has not been reported in the literature in individuals affected with TYRP1-related conditions. ClinVar contains an entry for this variant (Variation ID: 914045). Algorithms developed to predict the effect of missense changes on protein structure and function (SIFT, PolyPhen-2, Align-GVGD) all suggest that this variant is likely to be tolerated. In summary, the available evidence is currently insufficient to determine the role of this variant in disease. Therefore, it has been classified as a Variant of Uncertain Significance.

Illumina Laboratory Services, Illumina
Classification: Uncertain significance for Oculocutaneous albinism type 3. Last evaluated: 2018-01-13. Review status: criteria provided, single submitter. Criteria: ICSL Variant Classification Criteria 13 December 2019. Collection method: clinical testing. Allele origin: germline.